The following is an entry in ClinVar:

NM_001330700.2(TOP2B):c.905A>G (p.Glu302Gly)

Gene: TOP2B (DNA topoisomerase II beta; minus strand). Cytogenetic location: 3p24.2.
Variant type: single nucleotide variant.
Coding change: c.905A>G on transcript NM_001330700.2 (MANE Select); coding-DNA position 905, A replaced by G.
Protein change: p.Glu302Gly; replaces glutamic acid 302 with glycine.
Molecular consequence: missense variant.
Genome position (GRCh38, 1-based): chr3:25,633,962, T>C on the plus strand (A>G on the coding strand, the complement: TOP2B is on the minus strand). VCF-style: chr3-25633962-T-C. GRCh37 (hg19) VCF-style: chr3-25675453-T-C.
Other names: c.890A>G, p.Glu297Gly (NM_001068.3); short protein forms E297G, E302G.
Identifiers: ClinVar variation 4874385 (VCV004874385.2).
Genomic context (GRCh38, chr3:25,633,962, plus strand): 5'-AGACAAACATCCCATCTTTCATTTGCAAGCTCATGAATAACTTTCAGGGCCACCCCAGTT[T>C]CATCCAATTTGTCTTTCACATAAAGATCTACATAACTGCGAAATCCATTTACCTATTAAT-3'
Protein context (NP_001317629.1, residues 292-312): VDLYVKDKLD[Glu302Gly]TGVALKVIHE

ClinVar aggregate classification (germline): Uncertain significance (1 of 4 stars; one submission).

Submission:

CeGaT Center for Human Genetics Tuebingen
Classification: Uncertain significance. Last evaluated: 2026-05-01. Review status: criteria provided, single submitter. Criteria: CeGaT Center For Human Genetics Tuebingen Variant Classification Criteria Version 2. Collection method: clinical testing. Allele origin: germline. Affected: yes. Observed: 1 variant allele.
Comment: TOP2B: PM2, PS2:Supporting